The following is an entry in ClinVar:

ClinVar aggregate classification (germline): Uncertain significance (1 of 4 stars; one submission).

Conditions:
Familial melanoma. Also called: Hereditary melanoma; Hereditary cutaneous melanoma. Identifiers: Orphanet 618, MedGen C1512419, MONDO:0018961.

Submission:

Labcorp Genetics (formerly Invitae), Labcorp
Classification: Uncertain significance for Familial melanoma. Last evaluated: 2025-12-17. Review status: criteria provided, single submitter. Criteria: Invitae Variant Classification Sherloc (09022015). Collection method: clinical testing. Allele origin: germline.
Comment: This sequence change replaces cysteine, which is neutral and slightly polar, with tyrosine, which is neutral and polar, at codon 215 of the CDK4 protein (p.Cys215Tyr). This variant is not present in population databases (gnomAD no frequency). This variant has not been reported in the literature in individuals affected with CDK4-related conditions. ClinVar contains an entry for this variant (Variation ID: 2839860). An algorithm developed to predict the effect of missense changes on protein structure and function (PolyPhen-2) suggests that this variant is likely to be tolerated. In summary, the available evidence is currently insufficient to determine the role of this variant in disease. Therefore, it has been classified as a Variant of Uncertain Significance.

NM_000075.4(CDK4):c.644G>A (p.Cys215Tyr)

Genes: CDK4 (cyclin dependent kinase 4; minus strand), TSPAN31 (tetraspanin 31; plus strand). Cytogenetic location: 12q14.1.
Variant type: single nucleotide variant.
Coding change: c.644G>A on transcript NM_000075.4 (MANE Select); coding-DNA position 644, G replaced by A.
Protein change: p.Cys215Tyr; replaces cysteine 215 with tyrosine.
Molecular consequence: missense variant. On other transcripts: 3 prime UTR variant (3).
Genome position (GRCh38, 1-based): chr12:57,749,493, C>T on the plus strand (G>A on the coding strand, the complement: CDK4 is on the minus strand). VCF-style: chr12-57749493-C-T. GRCh37 (hg19) VCF-style: chr12-58143276-C-T.
Other names: c.*2203C>T (NM_001330168.2, NM_001330169.2, NM_005981.5); short protein forms C215Y.
Identifiers: ClinVar variation 2839860 (VCV002839860.3), dbSNP rs1955206509, ClinGen allele CA385544202.
Genomic context (GRCh38, chr12:57,749,493, plus strand): 5'-TCTCCCATGTTGGTCACTTACTCAAAGATTTTGCCCAACTGGTCGGCTTCAGAGTTTCCA[C>T]AGAAGAGAGGCCTAAGGTGAGAAGGGATATAAGGTAGCAGTCATTTTCAAAGATATCTTA-3'
Protein context (NP_000066.1, residues 205-225): AEMFRRKPLF[Cys215Tyr]GNSEADQLGK